The following is an entry in ClinVar:

ClinVar aggregate classification (germline): Likely benign. Review status: criteria provided, multiple submitters, no conflicts (2 of 4 stars). 2 submissions from 2 submitters: Likely benign (2). Last evaluated 2024-11-05.

Conditions:
KIDINS220-related disorder. Also called: KIDINS220-related condition.

Allele frequency attached by ClinVar (database versions not stated): ExAC 0.00001; gnomAD 0.00003; TOPMed 0.00007.

Submissions (2):

PreventionGenetics, part of Exact Sciences
Classification: Likely benign for KIDINS220-related condition. Last evaluated: 2024-11-05. Review status: criteria provided, single submitter. Criteria: ACMG Guidelines, 2015. Collection method: clinical testing. Allele origin: germline.
Comment: This variant is classified as likely benign based on ACMG/AMP sequence variant interpretation guidelines (Richards et al. 2015 PMID: 25741868, with internal and published modifications).

Labcorp Genetics (formerly Invitae), Labcorp
Classification: Likely benign. Last evaluated: 2023-05-19. Review status: criteria provided, single submitter. Criteria: Invitae Variant Classification Sherloc (09022015). Collection method: clinical testing. Allele origin: germline.

NM_020738.4(KIDINS220):c.1464A>C (p.Gly488=)

Gene: KIDINS220 (kinase D interacting substrate 220; minus strand). Cytogenetic location: 2p25.1.
Variant type: single nucleotide variant.
Coding change: c.1464A>C on transcript NM_020738.4 (MANE Select); coding-DNA position 1464, A replaced by C.
Protein change: p.Gly488=; no amino-acid change (glycine 488 retained).
Molecular consequence: synonymous variant. On other transcripts: non-coding transcript variant (2).
Genome position (GRCh38, 1-based): chr2:8,790,037, T>G on the plus strand (A>C on the coding strand, the complement: KIDINS220 is on the minus strand). VCF-style: chr2-8790037-T-G. GRCh37 (hg19) VCF-style: chr2-8930167-T-G.
Other names: c.1467A>C, p.Gly489= (NM_001348729.2, NM_001348731.2, NM_001348734.2 and 3 more transcripts); c.1464A>C, p.Gly488= (NM_001348732.2, NM_001348735.2, NM_001348738.2 and 3 more transcripts); c.1338A>C, p.Gly446= (NM_001348736.2); c.1464A>C (NM_020738.2).
Identifiers: ClinVar variation 2170908 (VCV002170908.5), dbSNP rs748833205, ClinGen allele CA1520178.